The following is an entry in ClinVar:

NM_017654.4(SAMD9):c.2074T>A (p.Trp692Arg)

Gene: SAMD9 (sterile alpha motif domain containing 9; minus strand). Cytogenetic location: 7q21.2.
Variant type: single nucleotide variant.
Coding change: c.2074T>A on transcript NM_017654.4 (MANE Select); coding-DNA position 2074, T replaced by A.
Protein change: p.Trp692Arg; replaces tryptophan 692 with arginine.
Molecular consequence: missense variant.
Genome position (GRCh38, 1-based): chr7:93,104,024, A>T on the plus strand (T>A on the coding strand, the complement: SAMD9 is on the minus strand). VCF-style: chr7-93104024-A-T. GRCh37 (hg19) VCF-style: chr7-92733337-A-T.
Other names: c.2074T>A, p.Trp692Arg (NM_001193307.2); short protein forms W692R.
Identifiers: ClinVar variation 3791953 (VCV003791953.1).

ClinVar aggregate classification (germline): Uncertain significance (1 of 4 stars; one submission).

Conditions:
Inborn genetic diseases. Identifiers: MedGen C0950123, MeSH D030342.

Submission:

Ambry Genetics
Classification: Uncertain significance for Inborn genetic diseases. Last evaluated: 2024-12-25. Review status: criteria provided, single submitter. Criteria: Ambry Variant Classification Scheme 2023. Collection method: clinical testing. Allele origin: germline.
Comment: The p.W692R variant (also known as c.2074T>A), located in coding exon 1 of the SAMD9 gene, results from a T to A substitution at nucleotide position 2074. The tryptophan at codon 692 is replaced by arginine, an amino acid with dissimilar properties. This amino acid position is conserved. In addition, the in silico prediction for this alteration is inconclusive. Based on the available evidence, the clinical significance of this variant remains unclear.